The following is an entry in ClinVar:

NM_006514.4(SCN10A):c.1959G>C (p.Lys653Asn)

Gene: SCN10A (sodium voltage-gated channel alpha subunit 10; minus strand). Cytogenetic location: 3p22.2.
Variant type: single nucleotide variant.
Coding change: c.1959G>C on transcript NM_006514.4 (MANE Select); coding-DNA position 1959, G replaced by C.
Protein change: p.Lys653Asn; replaces lysine 653 with asparagine.
Molecular consequence: missense variant.
Genome position (GRCh38, 1-based): chr3:38,742,438, C>G on the plus strand (G>C on the coding strand, the complement: SCN10A is on the minus strand). VCF-style: chr3-38742438-C-G. GRCh37 (hg19) VCF-style: chr3-38783929-C-G.
Other names: c.1959G>C, p.Lys653Asn (NM_001293306.2); c.1665G>C, p.Lys555Asn (NM_001293307.2); short protein forms K555N, K653N.
Identifiers: ClinVar variation 3793134 (VCV003793134.1).

ClinVar aggregate classification (germline): Uncertain significance (1 of 4 stars; one submission).

Conditions:
Cardiovascular phenotype. Identifiers: MedGen CN230736.

Submission:

Ambry Genetics
Classification: Uncertain significance for Cardiovascular phenotype. Last evaluated: 2024-12-13. Review status: criteria provided, single submitter. Criteria: Ambry Variant Classification Scheme 2023. Collection method: clinical testing. Allele origin: germline.
Comment: The p.K653N variant (also known as c.1959G>C), located in coding exon 13 of the SCN10A gene, results from a G to C substitution at nucleotide position 1959. The lysine at codon 653 is replaced by asparagine, an amino acid with similar properties. This amino acid position is conserved. In addition, this alteration is predicted to be tolerated by in silico analysis. Based on the available evidence, the clinical significance of this variant remains unclear.